The following is an entry in ClinVar:

ClinVar aggregate classification (germline): Conflicting classifications of pathogenicity. Review status: criteria provided, conflicting classifications (1 of 4 stars). 3 submissions from 3 submitters: Pathogenic (1); Uncertain significance (1). 1 of the submissions does not count toward it. Last evaluated 2025-08-10.

Conditions:
Charcot-Marie-Tooth disease type 2. Also called: Charcot-Marie-Tooth type 2. Identifiers: Orphanet 64746, MedGen C0270914, MONDO:0018993.
Charcot-Marie-Tooth disease type 2A2. Also called: HEREDITARY MOTOR AND SENSORY NEUROPATHY IIA2; HMSN IIA2; CHARCOT-MARIE-TOOTH DISEASE, AXONAL, TYPE 2A2; CHARCOT-MARIE-TOOTH DISEASE, NEURONAL, TYPE 2A2; Charcot-Marie-Tooth Neuropathy Type 2A2; CHARCOT-MARIE-TOOTH DISEASE, AXONAL, AUTOSOMAL DOMINANT, TYPE 2A2A. Identifiers: Orphanet 99947, MedGen C4721887, MONDO:0012231, OMIM 609260.
Charcot-Marie-Tooth disease. Also called: Charcot-Marie-Tooth Neuropathy; Charcot-Marie-Tooth Hereditary Neuropathy. Identifiers: Orphanet 166, MedGen C0007959, MONDO:0015626.

Submissions (3):

Labcorp Genetics (formerly Invitae), Labcorp
Classification: Pathogenic for Charcot-Marie-Tooth disease type 2. Last evaluated: 2025-08-10. Review status: criteria provided, single submitter. Criteria: Invitae Variant Classification Sherloc (09022015). Collection method: clinical testing. Allele origin: germline.
Comment: This sequence change replaces arginine, which is basic and polar, with proline, which is neutral and non-polar, at codon 400 of the MFN2 protein (p.Arg400Pro). This variant is not present in population databases (gnomAD no frequency). This missense change has been observed in individual(s) with autosomal dominant Charcot-Marie-Tooth disease (PMID: 21840889, 31211173). In at least one individual the variant was observed to be de novo. ClinVar contains an entry for this variant (Variation ID: 637281). Invitae Evidence Modeling of protein sequence and biophysical properties (such as structural, functional, and spatial information, amino acid conservation, physicochemical variation, residue mobility, and thermodynamic stability) indicates that this missense variant is expected to disrupt MFN2 protein function with a positive predictive value of 95%. For these reasons, this variant has been classified as Pathogenic.

3billion
Classification: Uncertain significance for Charcot-Marie-Tooth disease type 2A2. Last evaluated: 2022-01-03. Review status: criteria provided, single submitter. Criteria: ACMG Guidelines, 2015. Collection method: clinical testing. Allele origin: germline. Affected: yes. Observed: 1 heterozygote.
Comment: Same nucleotide change resulting in same amino acid change has been previously reported to be associated with MFN2 related disorder (PMID:21840889, PS1_P). In silico tool predictions suggest damaging effect of the variant on gene or gene product (REVEL: 0.771, PP3_P). A missense variant is a common mechanism associated with Charcot-Marie-Tooth disease (PP2_P). It is not observed in the gnomAD v2.1.1 dataset (PM2_M). Therefore, this variant is classified as uncertain significance according to the recommendation of ACMG/AMP guideline.

Inherited Neuropathy Consortium
Classification: Uncertain significance for Charcot-Marie-Tooth disease. Review status: no assertion criteria provided. Collection method: literature only. Allele origin: germline. Affected: yes. Not counted in ClinVar's aggregate classification.

Literature cited by the submitters: PubMed 21840889 (cited by 3 submitters); PubMed 31211173 (cited by Labcorp Genetics (formerly Invitae), Labcorp).

NM_014874.4(MFN2):c.1199G>C (p.Arg400Pro)

Gene: MFN2 (mitofusin 2; plus strand). Cytogenetic location: 1p36.22.
Variant type: single nucleotide variant.
Coding change: c.1199G>C on transcript NM_014874.4 (MANE Select); coding-DNA position 1199, G replaced by C.
Protein change: p.Arg400Pro; replaces arginine 400 with proline.
Molecular consequence: missense variant.
Genome position (GRCh38, 1-based): chr1:12,004,030, G>C. VCF-style: chr1-12004030-G-C. GRCh37 (hg19) VCF-style: chr1-12064087-G-C.
Other names: c.1199G>C, p.Arg400Pro (NM_001127660.2); short protein forms R400P.
Identifiers: ClinVar variation 637281 (VCV000637281.3), dbSNP rs138072432, ClinGen allele CA338444926.